The following is an entry in ClinVar:

ClinVar aggregate classification (germline): Uncertain significance. Review status: criteria provided, multiple submitters, no conflicts (2 of 4 stars). 2 submissions from 2 submitters: Uncertain significance (2). Last evaluated 2022-10-12.

Conditions:
Inborn genetic diseases. Identifiers: MedGen C0950123, MeSH D030342.
Combined oxidative phosphorylation defect type 27. Also called: Combined oxidative phosphorylation deficiency 27. Identifiers: Orphanet 477774, MedGen C5567608, MONDO:0014728, OMIM 616672.

Allele frequency attached by ClinVar (database versions not stated): gnomAD exomes 0.00002 and 0.00004; ExAC 0.00003; gnomAD 0.00003 and 0.00004.
gnomAD v4.1: 64 of 1,609,244 alleles (0.004%); highest among the groups gnomAD compares: Non-Finnish European, 0.0054%; no homozygotes.

Submissions (2):

Ambry Genetics
Classification: Uncertain significance for Inborn genetic diseases. Last evaluated: 2022-10-12. Review status: criteria provided, single submitter. Criteria: Ambry Variant Classification Scheme 2023. Collection method: clinical testing. Allele origin: germline.

Labcorp Genetics (formerly Invitae), Labcorp
Classification: Uncertain significance for Combined oxidative phosphorylation defect type 27. Last evaluated: 2022-07-12. Review status: criteria provided, single submitter. Criteria: Invitae Variant Classification Sherloc (09022015). Collection method: clinical testing. Allele origin: germline.
Comment: This sequence change replaces serine, which is neutral and polar, with phenylalanine, which is neutral and non-polar, at codon 135 of the CARS2 protein (p.Ser135Phe). This variant is present in population databases (rs781364169, gnomAD 0.004%). This variant has not been reported in the literature in individuals affected with CARS2-related conditions. ClinVar contains an entry for this variant (Variation ID: 944639). Algorithms developed to predict the effect of missense changes on protein structure and function are either unavailable or do not agree on the potential impact of this missense change (SIFT: "Deleterious"; PolyPhen-2: "Probably Damaging"; Align-GVGD: "Class C0"). In summary, the available evidence is currently insufficient to determine the role of this variant in disease. Therefore, it has been classified as a Variant of Uncertain Significance.

NM_024537.4(CARS2):c.404C>T (p.Ser135Phe)

Gene: CARS2 (cysteinyl-tRNA synthetase 2, mitochondrial; minus strand). Cytogenetic location: 13q34.
Variant type: single nucleotide variant.
Coding change: c.404C>T on transcript NM_024537.4 (MANE Select); coding-DNA position 404, C replaced by T.
Protein change: p.Ser135Phe; replaces serine 135 with phenylalanine.
Molecular consequence: missense variant. On other transcripts: 5 prime UTR variant (1), non-coding transcript variant (2).
Genome position (GRCh38, 1-based): chr13:110,688,008, G>A on the plus strand (C>T on the coding strand, the complement: CARS2 is on the minus strand). VCF-style: chr13-110688008-G-A. GRCh37 (hg19) VCF-style: chr13-111340355-G-A.
Other names: c.-596C>T (NM_001352252.2); c.404C>T, p.Ser135Phe (NM_001352253.3); c.404C>T (NM_024537.2); short protein forms S135F.
Identifiers: ClinVar variation 944639 (VCV000944639.7), dbSNP rs781364169, ClinGen allele CA7052265.